The following is an entry in ClinVar:

NM_006386.5(DDX17):c.1377G>C (p.Trp459Cys)

Gene: DDX17 (DEAD-box helicase 17; minus strand). Cytogenetic location: 22q13.1.
Variant type: single nucleotide variant.
Coding change: c.1377G>C on transcript NM_006386.5 (MANE Select); coding-DNA position 1377, G replaced by C.
Protein change: p.Trp459Cys; replaces tryptophan 459 with cysteine.
Molecular consequence: missense variant.
Genome position (GRCh38, 1-based): chr22:38,493,720, C>G on the plus strand (G>C on the coding strand, the complement: DDX17 is on the minus strand). VCF-style: chr22-38493720-C-G. GRCh37 (hg19) VCF-style: chr22-38889725-C-G.
Other names: c.1377G>C, p.Trp459Cys (NM_001098504.2); short protein forms W459C.
Identifiers: ClinVar variation 4075717 (VCV004075717.1).
Genomic context (GRCh38, chr22:38,493,720, plus strand): 5'-TATGGGCAGGGGGTGGGGAATCAACAGAAAATGCTTAGTTTTAAACTTACCATTAAGTAC[C>G]CAATCTCTTTCTGGTTGACTCTTGTCTCCATGGATACACATAGCTGGCCAACTATCAGAA-3'
Protein context (NP_006377.2, residues 449-469): HGDKSQPERD[Trp459Cys]VLNEFRSGKA

ClinVar aggregate classification (germline): Uncertain significance (1 of 4 stars; one submission).

Submission:

GeneDx
Classification: Uncertain significance. Last evaluated: 2025-02-16. Review status: criteria provided, single submitter. Criteria: GeneDx Variant Classification Process June 2021. Collection method: clinical testing. Allele origin: germline. Affected: yes.
Comment: Not observed at significant frequency in large population cohorts (gnomAD); In silico analysis supports that this missense variant has a deleterious effect on protein structure/function; Has not been previously published as pathogenic or benign to our knowledge